The following is an entry in ClinVar:

ClinVar aggregate classification (germline): Uncertain significance (1 of 4 stars; one submission).

Submission:

Ambry Genetics
Classification: Uncertain significance. Last evaluated: 2025-02-21. Review status: criteria provided, single submitter. Criteria: Ambry Variant Classification Scheme 2023. Collection method: clinical testing. Allele origin: germline.
Comment: The p.I201V variant (also known as c.601A>G), located in coding exon 5 of the RNF43 gene, results from an A to G substitution at nucleotide position 601. The isoleucine at codon 201 is replaced by valine, an amino acid with highly similar properties. This amino acid position is conserved. In addition, this alteration is predicted to be tolerated by in silico analysis. Based on the available evidence, the clinical significance of this variant remains unclear.

NM_017763.6(RNF43):c.601A>G (p.Ile201Val)

Gene: RNF43 (ring finger protein 43; minus strand). Cytogenetic location: 17q22.
Variant type: single nucleotide variant.
Coding change: c.601A>G on transcript NM_017763.6 (MANE Select); coding-DNA position 601, A replaced by G.
Protein change: p.Ile201Val; replaces isoleucine 201 with valine.
Molecular consequence: missense variant.
Genome position (GRCh38, 1-based): chr17:58,362,630, T>C on the plus strand (A>G on the coding strand, the complement: RNF43 is on the minus strand). VCF-style: chr17-58362630-T-C. GRCh37 (hg19) VCF-style: chr17-56439991-T-C.
Other names: c.601A>G, p.Ile201Val (NM_001305544.3); c.220A>G, p.Ile74Val (NM_001305545.2); short protein forms I201V, I74V.
Identifiers: ClinVar variation 3789951 (VCV003789951.1).